The following is an entry in ClinVar:

NM_003072.5(SMARCA4):c.334C>T (p.Pro112Ser)

Gene: SMARCA4 (SWI/SNF related BAF chromatin remodeling complex subunit ATPase 4; plus strand). Cytogenetic location: 19p13.2.
Variant type: single nucleotide variant.
Coding change: c.334C>T on transcript NM_003072.5 (MANE Select); coding-DNA position 334, C replaced by T.
Protein change: p.Pro112Ser; replaces proline 112 with serine.
Molecular consequence: missense variant. On other transcripts: non-coding transcript variant (1).
Genome position (GRCh38, 1-based): chr19:10,985,384, C>T. VCF-style: chr19-10985384-C-T. GRCh37 (hg19) VCF-style: chr19-11096060-C-T.
Other names: c.334C>T, p.Pro112Ser (NM_001128844.3, NM_001128845.2, NM_001128846.2 and 5 more transcripts); short protein forms P112S.
Identifiers: ClinVar variation 1692589 (VCV001692589.1), dbSNP rs2085935793, ClinGen allele CA404055328.

ClinVar aggregate classification (germline): Uncertain significance (1 of 4 stars; one submission).

Conditions:
Hereditary cancer-predisposing syndrome. Also called: Hereditary Cancer Syndrome; Hereditary neoplastic syndrome; Neoplastic Syndromes, Hereditary; Tumor predisposition. Identifiers: Orphanet 140162, MedGen C0027672, MeSH D009386, MONDO:0015356.

Submission:

Sema4
Classification: Uncertain significance for Hereditary cancer-predisposing syndrome. Last evaluated: 2021-12-29. Review status: criteria provided, single submitter. Criteria: Sema4 Curation Guidelines. Collection method: curation. Allele origin: germline.
Comment: The SMARCA4 c.334C>T (p.P112S) variant has not been reported in the literature to our knowledge. It was not observed in the large and broad cohorts of the Genome Aggregation Database (PMID: 32461654), nor in ClinVar. Functional studies have not been performed, and in silico predictions of the variant's effect on protein function are inconclusive. The evidence is insufficient to meet ACMG/AMP criteria for classifying the variant as benign or pathogenic. Thus, the clinical significance of this variant is currently uncertain.